The following is an entry in ClinVar:

ClinVar aggregate classification (germline): Uncertain significance (1 of 4 stars; one submission).

Submission:

CeGaT Center for Human Genetics Tuebingen
Classification: Uncertain significance. Last evaluated: 2026-07-01. Review status: criteria provided, single submitter. Criteria: CeGaT Center For Human Genetics Tuebingen Variant Classification Criteria Version 2. Collection method: clinical testing. Allele origin: germline. Affected: yes. Observed: 1 variant allele.
Comment: ATP1A2: PM2

NM_000702.4(ATP1A2):c.185C>T (p.Thr62Ile)

Gene: ATP1A2 (ATPase Na+/K+ transporting subunit alpha 2; plus strand). Cytogenetic location: 1q23.2.
Variant type: single nucleotide variant.
Coding change: c.185C>T on transcript NM_000702.4 (MANE Select); coding-DNA position 185, C replaced by T.
Protein change: p.Thr62Ile; replaces threonine 62 with isoleucine.
Molecular consequence: missense variant.
Genome position (GRCh38, 1-based): chr1:160,123,220, C>T. VCF-style: chr1-160123220-C-T. GRCh37 (hg19) VCF-style: chr1-160093010-C-T.
Other names: short protein forms T62I.
Identifiers: ClinVar variation 5040238 (VCV005040238.1).